The following is an entry in ClinVar:

NM_012210.4(TRIM32):c.1505C>G (p.Ser502Ter)

Genes: ASTN2 (astrotactin 2; minus strand), TRIM32 (tripartite motif containing 32; plus strand). Cytogenetic location: 9q33.1.
Variant type: single nucleotide variant.
Coding change: c.1505C>G on transcript NM_012210.4 (MANE Select); coding-DNA position 1505, C replaced by G.
Protein change: p.Ser502Ter; replaces serine 502 with a stop codon.
Molecular consequence: nonsense. On other transcripts: intron variant (3).
Genome position (GRCh38, 1-based): chr9:116,699,247, C>G. VCF-style: chr9-116699247-C-G. GRCh37 (hg19) VCF-style: chr9-119461526-C-G.
Other names: c.1505C>G, p.Ser502Ter (NM_001099679.2, NM_001379048.1, NM_001379049.1 and 1 more transcripts); c.2653+26524G>C (NM_014010.5); c.2794+26524G>C (NM_001365069.1); c.2806+26524G>C (NM_001365068.1); short protein forms S502*.
Identifiers: ClinVar variation 2785051 (VCV002785051.3), dbSNP rs1221660946, ClinGen allele CA374651831.

ClinVar aggregate classification (germline): Pathogenic (1 of 4 stars; one submission).

Conditions:
Bardet-Biedl syndrome (BBS). Identifiers: Orphanet 110, MedGen C0752166, MONDO:0015229.

Allele frequency attached by ClinVar (database versions not stated): TOPMed 0.00001.
gnomAD v4.1: 2 of 1,614,224 alleles (0.00012%); highest among the groups gnomAD compares: South Asian, 0.0011%; no homozygotes.

Submission:

Labcorp Genetics (formerly Invitae), Labcorp
Classification: Pathogenic for Bardet-Biedl syndrome. Last evaluated: 2023-09-26. Review status: criteria provided, single submitter. Criteria: Invitae Variant Classification Sherloc (09022015). Collection method: clinical testing. Allele origin: germline.
Comment: This variant is not present in population databases (gnomAD no frequency). For these reasons, this variant has been classified as Pathogenic. This variant disrupts a region of the TRIM32 protein in which other variant(s) (p.Val591Met) have been determined to be pathogenic (PMID: 30823891). This suggests that this is a clinically significant region of the protein, and that variants that disrupt it are likely to be disease-causing. This variant has not been reported in the literature in individuals affected with TRIM32-related conditions. This sequence change creates a premature translational stop signal (p.Ser502*) in the TRIM32 gene. While this is not anticipated to result in nonsense mediated decay, it is expected to disrupt the last 152 amino acid(s) of the TRIM32 protein.

Literature cited by the submitters: PubMed 30823891.